The following is an entry in ClinVar:

ClinVar aggregate classification (germline): Conflicting classifications of pathogenicity. Review status: criteria provided, conflicting classifications (1 of 4 stars). 8 submissions from 8 submitters: Pathogenic (3); Likely pathogenic (3); Uncertain significance (2). Last evaluated 2026-03-05.

Conditions:
Sitosterolemia 2. Identifiers: MedGen C5231453, MONDO:0020748, OMIM 618666.
Cardiovascular phenotype. Identifiers: MedGen CN230736.
Sitosterolemia (STSL). Also called: PHYTOSTEROLEMIA. Identifiers: Orphanet 2882, MedGen C0342907, MONDO:0008863.

Allele frequency attached by ClinVar (database versions not stated): gnomAD 0.00003 and 0.00002; 1000 Genomes Project 30x 0.00031; TOPMed 0.00004; ExAC 0.00008; 1000 Genomes Project 0.00020; gnomAD exomes 0.00007.
gnomAD v4.1: 29 of 1,613,956 alleles (0.0018%); highest among the groups gnomAD compares: East Asian, 0.04%; no homozygotes.

Submissions (8):

Department of Cardiology, Mackay Memorial Hospital
Classification: Likely pathogenic for Sitosterolemia. Last evaluated: 2026-03-05. Review status: criteria provided, single submitter. Criteria: ACMG Guidelines, 2015. Collection method: clinical testing. Allele origin: germline. Affected: yes.
Comment: The ABCG5 c.1337G>A (p.Arg446Gln; rs536081800; Accession: VCV000843950.11) variant is a rare missense alteration in exon 10 that affects a highly conserved arginine residue. It has an overall allele frequency of approximately 0.007% in gnomAD, with the highest frequency observed in East Asian populations (approximately 0.065%). This variant has been reported in multiple individuals with clinical features of sitosterolemia and has been observed in trans with another ABCG5 variant in several affected cases. In addition, computational analyses predict a deleterious effect on ABCG5 protein function. Taken together, the low population frequency, supportive trans observations, evolutionary conservation, and in silico evidence support classification of this variant as likely pathogenic.

Cardiovascular Genetics Laboratory, PathWest Laboratory Medicine WA - Fiona Stanley Hospital
Classification: Likely pathogenic for Sitosterolemia 2. Last evaluated: 2024-07-24. Review status: criteria provided, single submitter. Criteria: ACMG Guidelines, 2015. Collection method: clinical testing. Allele origin: germline.

Ambry Genetics
Classification: Pathogenic for Cardiovascular phenotype. Last evaluated: 2024-04-09. Review status: criteria provided, single submitter. Criteria: Ambry Variant Classification Scheme 2023. Collection method: clinical testing. Allele origin: germline.
Comment: The c.1337G>A (p.R446Q) alteration is located in exon 10 (coding exon 10) of the ABCG5 gene. This alteration results from a G to A substitution at nucleotide position 1337, causing the arginine (R) at amino acid position 446 to be replaced by a glutamine (Q). Based on data from gnomAD, the A allele has an overall frequency of 0.007% (19/282106) total alleles studied. The highest observed frequency was 0.065% (13/19930) of East Asian alleles. This variant has been identified in trans with another ABCG5 variant in multiple individuals with features consistent with sitosterolemia (Xia, 2022; Zhang, 2022; Huang, 2022; Deng, 2021; Sun, 2020). This amino acid position is highly conserved in available vertebrate species. This alteration is predicted to be deleterious by in silico analysis. Based on the available evidence, this alteration is classified as pathogenic.

Blueprint Genetics
Classification: Uncertain significance. Last evaluated: 2023-09-26. Review status: criteria provided, single submitter. Criteria: ACMG Guidelines, 2015. Collection method: clinical testing. Allele origin: germline.

Labcorp Genetics (formerly Invitae), Labcorp
Classification: Uncertain significance for Sitosterolemia. Last evaluated: 2022-01-28. Review status: criteria provided, single submitter. Criteria: Invitae Variant Classification Sherloc (09022015). Collection method: clinical testing. Allele origin: germline.
Comment: This sequence change replaces arginine, which is basic and polar, with glutamine, which is neutral and polar, at codon 446 of the ABCG5 protein (p.Arg446Gln). This variant is present in population databases (rs536081800, gnomAD 0.06%). This missense change has been observed in individual(s) with clinical features of sitosterolemia (PMID: 32166861). ClinVar contains an entry for this variant (Variation ID: 843950). Algorithms developed to predict the effect of missense changes on protein structure and function are either unavailable or do not agree on the potential impact of this missense change (SIFT: "Deleterious"; PolyPhen-2: "Possibly Damaging"; Align-GVGD: "Class C0"). In summary, the available evidence is currently insufficient to determine the role of this variant in disease. Therefore, it has been classified as a Variant of Uncertain Significance.

New York Genome Center
Classification: Likely pathogenic for Sitosterolemia 2. Last evaluated: 2020-11-30. Review status: criteria provided, single submitter. Criteria: NYGC Assertion Criteria 2020. Collection method: clinical testing. Allele origin: germline. Observed: 1 variant allele.

Department of Traditional Chinese Medicine, Fujian Provincial Hospital
Classification: Pathogenic for Sitosterolemia 2. Review status: criteria provided, single submitter. Criteria: ACMG Guidelines, 2015. Collection method: research. Allele origin: inherited.
Comment: This mutation changed the nucleotide at the 1337 position in the coding sequence of ABCG5 gene from guanine nucleotide (G) to adenine nucleotide (A), which led to the change of amino acid at the 446th position in protein from arginine (Arg) to glutamine (Gln), which was a missense mutation. The mutation has been included in dbSNP database, and the rs number is rs536081800. According to ACMG guidelines, this mutation point is consistent with PM2_Supporting (Absent from controls in Exome Sequencing Project, 1000 Genomes or ExAC)+PM3_VeryStrong (For recessive disorders, detected in trans with a pathogenic variant) +PP3 (Multiple lines of computational evidence support a deleterious effect on the gene or gene product),therefore, this mutation site is considered to be a pathogenic mutation.

Juno Genomics, Hangzhou Juno Genomics, Inc
Classification: Pathogenic for Sitosterolemia 2. Review status: criteria provided, single submitter. Criteria: ACMG Guidelines, 2015. Collection method: clinical testing. Allele origin: germline.
Comment: Absent from controls (or at extremely low frequency if recessive) in Genome Aggregation Database.;Multiple lines of computational evidence support a deleterious effect on the gene or gene product.;For recessive disorders, detected in trans with a pathogenic variant.;Co-segregation with disease in multiple affected family members.

Literature cited by the submitters: PubMed 32166861 (cited by 4 submitters); PubMed 32166 (cited by Cardiovascular Genetics Laboratory, PathWest Laboratory Medicine WA - Fiona Stanley Hospital); PubMed 33994402 (cited by Ambry Genetics and Department of Traditional Chinese Medicine, Fujian Provincial Hospital); PubMed 34880906 (cited by Ambry Genetics); PubMed 34969652 (cited by Ambry Genetics); PubMed 36229885 (cited by Ambry Genetics and Department of Traditional Chinese Medicine, Fujian Provincial Hospital).

NM_022436.3(ABCG5):c.1337G>A (p.Arg446Gln)

Genes: ABCG5 (ATP binding cassette subfamily G member 5; minus strand), DYNC2LI1 (dynein cytoplasmic 2 light intermediate chain 1; plus strand). Cytogenetic location: 2p21.
Variant type: single nucleotide variant.
Coding change: c.1337G>A on transcript NM_022436.3 (MANE Select); coding-DNA position 1337, G replaced by A.
Protein change: p.Arg446Gln; replaces arginine 446 with glutamine.
Molecular consequence: missense variant. On other transcripts: intron variant (2).
Genome position (GRCh38, 1-based): chr2:43,822,923, C>T on the plus strand (G>A on the coding strand, the complement: ABCG5 is on the minus strand). VCF-style: chr2-43822923-C-T. GRCh37 (hg19) VCF-style: chr2-44050062-C-T.
Other names: c.*16-4463C>T (NM_001348913.2, NM_001348912.2); short protein forms R446Q.
Identifiers: ClinVar variation 843950 (VCV000843950.15), dbSNP rs536081800, ClinGen allele CA1636303.